The following is an entry in ClinVar:

NM_020461.4(TUBGCP6):c.1826G>A (p.Cys609Tyr)

Gene: TUBGCP6 (tubulin gamma complex component 6; minus strand). Cytogenetic location: 22q13.33.
Variant type: single nucleotide variant.
Coding change: c.1826G>A on transcript NM_020461.4 (MANE Select); coding-DNA position 1826, G replaced by A.
Protein change: p.Cys609Tyr; replaces cysteine 609 with tyrosine.
Molecular consequence: missense variant.
Genome position (GRCh38, 1-based): chr22:50,226,057, C>T on the plus strand (G>A on the coding strand, the complement: TUBGCP6 is on the minus strand). VCF-style: chr22-50226057-C-T. GRCh37 (hg19) VCF-style: chr22-50664486-C-T.
Other names: short protein forms C609Y.
Identifiers: ClinVar variation 2117112 (VCV002117112.4), dbSNP rs766186280, ClinGen allele CA10308507.

ClinVar aggregate classification (germline): Uncertain significance (1 of 4 stars; one submission).

Allele frequency attached by ClinVar (database versions not stated): gnomAD exomes below 0.00001; ExAC 0.00001.

Submission:

Labcorp Genetics (formerly Invitae), Labcorp
Classification: Uncertain significance. Last evaluated: 2022-03-26. Review status: criteria provided, single submitter. Criteria: Invitae Variant Classification Sherloc (09022015). Collection method: clinical testing. Allele origin: germline.
Comment: In summary, the available evidence is currently insufficient to determine the role of this variant in disease. Therefore, it has been classified as a Variant of Uncertain Significance. Algorithms developed to predict the effect of missense changes on protein structure and function are either unavailable or do not agree on the potential impact of this missense change (SIFT: "Deleterious"; PolyPhen-2: "Probably Damaging"; Align-GVGD: "Class C0"). This variant has not been reported in the literature in individuals affected with TUBGCP6-related conditions. This variant is present in population databases (rs766186280, gnomAD 0.0009%). This sequence change replaces cysteine, which is neutral and slightly polar, with tyrosine, which is neutral and polar, at codon 609 of the TUBGCP6 protein (p.Cys609Tyr).